The following is an entry in ClinVar:

NM_000553.6(WRN):c.2952del (p.Leu984fs)

Gene: WRN (WRN RecQ like helicase; plus strand). Cytogenetic location: 8p12.
Variant type: Deletion.
Coding change: c.2952del on transcript NM_000553.6 (MANE Select); coding-DNA position 2952, one base deleted (A; older notation c.2952delA).
Protein change: p.Leu984fs; shifts the reading frame from leucine 984.
Molecular consequence: frameshift variant.
Genome position (GRCh38, 1-based): chr8:31,132,491, A deleted. VCF-style (leftmost placement, unchanged base first): chr8-31132490-TA-T. GRCh37 (hg19) VCF-style: chr8-30990006-TA-T.
Other names: short protein forms L984fs.
Identifiers: ClinVar variation 1456303 (VCV001456303.6), dbSNP rs1455560468, ClinGen allele CA850715690.

ClinVar aggregate classification (germline): Pathogenic (1 of 4 stars; one submission).

Conditions:
Werner syndrome (WRN). Identifiers: Orphanet 902, MedGen C0043119, MONDO:0010196, OMIM 277700.

Allele frequency attached by ClinVar (database versions not stated): gnomAD exomes below 0.00001; TOPMed below 0.00001; gnomAD 0.00001.

Submission:

Labcorp Genetics (formerly Invitae), Labcorp
Classification: Pathogenic for Werner syndrome. Last evaluated: 2023-11-10. Review status: criteria provided, single submitter. Criteria: Invitae Variant Classification Sherloc (09022015). Collection method: clinical testing. Allele origin: germline.
Comment: This sequence change creates a premature translational stop signal (p.Leu984Phefs*39) in the WRN gene. It is expected to result in an absent or disrupted protein product. Loss-of-function variants in WRN are known to be pathogenic (PMID: 16673358). This variant is not present in population databases (gnomAD no frequency). This variant has not been reported in the literature in individuals affected with WRN-related conditions. ClinVar contains an entry for this variant (Variation ID: 1456303). For these reasons, this variant has been classified as Pathogenic.

Literature cited by the submitters: PubMed 16673358.